The following is an entry in ClinVar:

ClinVar aggregate classification (germline): Uncertain significance. Review status: criteria provided, multiple submitters, no conflicts (2 of 4 stars). 2 submissions from 2 submitters: Uncertain significance (2). Last evaluated 2025-12-18.

Allele frequency attached by ClinVar (database versions not stated): gnomAD exomes 0.00004; ExAC 0.00011; TOPMed 0.00029; gnomAD 0.00033; ESP Exome Variant Server 0.00046.
gnomAD v4.1: 104 of 1,564,192 alleles (0.0066%); highest among the groups gnomAD compares: African/African-American, 0.095%; no homozygotes.

Submissions (2):

Labcorp Genetics (formerly Invitae), Labcorp
Classification: Uncertain significance. Last evaluated: 2025-12-18. Review status: criteria provided, single submitter. Criteria: Invitae Variant Classification Sherloc (09022015). Collection method: clinical testing. Allele origin: germline.
Comment: This sequence change replaces arginine, which is basic and polar, with glutamine, which is neutral and polar, at codon 501 of the PCK2 protein (p.Arg501Gln). This variant is present in population databases (rs141936878, gnomAD 0.1%), and has an allele count higher than expected for a pathogenic variant. This variant has not been reported in the literature in individuals affected with PCK2-related conditions. ClinVar contains an entry for this variant (Variation ID: 2076110). Invitae Evidence Modeling of protein sequence and biophysical properties (such as structural, functional, and spatial information, amino acid conservation, physicochemical variation, residue mobility, and thermodynamic stability) indicates that this missense variant is expected to disrupt PCK2 protein function with a positive predictive value of 80%. In summary, the available evidence is currently insufficient to determine the role of this variant in disease. Therefore, it has been classified as a Variant of Uncertain Significance.

Ambry Genetics
Classification: Uncertain significance. Last evaluated: 2025-02-01. Review status: criteria provided, single submitter. Criteria: Ambry Variant Classification Scheme 2023. Collection method: clinical testing. Allele origin: germline.

NM_004563.4(PCK2):c.1502G>A (p.Arg501Gln)

Genes: NRL (neural retina leucine zipper; minus strand), PCK2 (phosphoenolpyruvate carboxykinase 2, mitochondrial; plus strand). Cytogenetic location: 14q12.
Variant type: single nucleotide variant.
Coding change: c.1502G>A on transcript NM_004563.4 (MANE Select); coding-DNA position 1502, G replaced by A.
Protein change: p.Arg501Gln; replaces arginine 501 with glutamine.
Molecular consequence: missense variant. On other transcripts: intron variant (3).
Genome position (GRCh38, 1-based): chr14:24,103,543, G>A. VCF-style: chr14-24103543-G-A. GRCh37 (hg19) VCF-style: chr14-24572752-G-A.
Other names: c.1100G>A, p.Arg367Gln (NM_001291556.2, NM_001308054.2); c.-28+11179C>T (NM_001354768.3, NM_001354770.2); c.-254+11179C>T (NM_006177.5); short protein forms R501Q, R367Q.
Identifiers: ClinVar variation 2076110 (VCV002076110.6), dbSNP rs141936878, ClinGen allele CA7123551.